The following is an entry in ClinVar:

NM_005918.4(MDH2):c.811G>T (p.Gly271Cys)

Gene: MDH2 (malate dehydrogenase 2; plus strand). Cytogenetic location: 7q11.23.
Variant type: single nucleotide variant.
Coding change: c.811G>T on transcript NM_005918.4 (MANE Select); coding-DNA position 811, G replaced by T.
Protein change: p.Gly271Cys; replaces glycine 271 with cysteine.
Molecular consequence: missense variant.
Genome position (GRCh38, 1-based): chr7:76,064,879, G>T. VCF-style: chr7-76064879-G-T. GRCh37 (hg19) VCF-style: chr7-75694197-G-T.
Other names: c.685G>T, p.Gly229Cys (NM_001282403.2); c.490G>T, p.Gly164Cys (NM_001282404.2); c.811G>T (NM_005918.2); short protein forms G164C, G229C, G271C.
Identifiers: ClinVar variation 2128856 (VCV002128856.6), dbSNP rs782671567, ClinGen allele CA367768421.

ClinVar aggregate classification (germline): Uncertain significance. Review status: criteria provided, multiple submitters, no conflicts (2 of 4 stars). 2 submissions from 2 submitters: Uncertain significance (2). Last evaluated 2023-09-12.

Conditions:
Inborn genetic diseases. Identifiers: MedGen C0950123, MeSH D030342.

Submissions (2):

Ambry Genetics
Classification: Uncertain significance for Inborn genetic diseases. Last evaluated: 2023-09-12. Review status: criteria provided, single submitter. Criteria: Ambry Variant Classification Scheme 2023. Collection method: clinical testing. Allele origin: germline.
Comment: The p.G271C variant (also known as c.811G>T), located in coding exon 8 of the MDH2 gene, results from a G to T substitution at nucleotide position 811. The glycine at codon 271 is replaced by cysteine, an amino acid with highly dissimilar properties. This amino acid position is conserved. In addition, this alteration is predicted to be deleterious by in silico analysis. Since supporting evidence is limited at this time, the clinical significance of this alteration remains unclear.

Labcorp Genetics (formerly Invitae), Labcorp
Classification: Uncertain significance. Last evaluated: 2022-04-21. Review status: criteria provided, single submitter. Criteria: Invitae Variant Classification Sherloc (09022015). Collection method: clinical testing. Allele origin: germline.
Comment: This variant has not been reported in the literature in individuals affected with MDH2-related conditions. In summary, the available evidence is currently insufficient to determine the role of this variant in disease. Therefore, it has been classified as a Variant of Uncertain Significance. Algorithms developed to predict the effect of missense changes on protein structure and function are either unavailable or do not agree on the potential impact of this missense change (SIFT: "Deleterious"; PolyPhen-2: "Probably Damaging"; Align-GVGD: "Class C15"). This variant is not present in population databases (gnomAD no frequency). This sequence change replaces glycine, which is neutral and non-polar, with cysteine, which is neutral and slightly polar, at codon 271 of the MDH2 protein (p.Gly271Cys).